The following is an entry in ClinVar:

ClinVar aggregate classification (germline): Benign/Likely benign. Review status: criteria provided, multiple submitters, no conflicts (2 of 4 stars). 5 submissions from 5 submitters: Benign (1); Likely benign (4). Last evaluated 2025-01-07.

Conditions:
Mismatch repair cancer syndrome 3. Identifiers: MedGen C5436807, MONDO:0030841, OMIM 619097.
Endometrial carcinoma. Also called: Endometrial carcinoma, somatic. Identifiers: MedGen C0476089, MONDO:0002447, OMIM 608089, HP:0012114.
Lynch syndrome 5 (LYNCH5). Also called: Colorectal cancer, hereditary nonpolyposis, type 5; Hereditary non-polyposis colorectal cancer, type 5. Identifiers: Orphanet 144, MedGen C1833477, MONDO:0013710, OMIM 614350. Disease mechanism: loss of function.
Hereditary cancer-predisposing syndrome. Also called: Hereditary neoplastic syndrome; Tumor predisposition; Hereditary Cancer Syndrome; Neoplastic Syndromes, Hereditary. Identifiers: Orphanet 140162, MedGen C0027672, MeSH D009386, MONDO:0015356.
Hereditary nonpolyposis colorectal neoplasms. Identifiers: MedGen C0009405, MeSH D003123.

Submissions (5):

Myriad Genetics, Inc.
Classification: Benign for Lynch syndrome 5. Last evaluated: 2025-01-07. Review status: criteria provided, single submitter. Criteria: Myriad Autosomal Dominant, Autosomal Recessive and X-Linked Classification Criteria (2023). Collection method: clinical testing. Allele origin: unknown.
Comment: This variant is considered benign. This variant is a silent/synonymous amino acid change and it is not expected to impact splicing.

Department of Pathology and Laboratory Medicine, Sinai Health System
Classification: Likely benign for Endometrial carcinoma; Lynch syndrome 5; Mismatch repair cancer syndrome 3. Last evaluated: 2024-07-22. Review status: criteria provided, single submitter. Criteria: ACMG Guidelines, 2015. Collection method: clinical testing. Allele origin: germline.

Labcorp Genetics (formerly Invitae), Labcorp
Classification: Likely benign for Hereditary nonpolyposis colorectal neoplasms. Last evaluated: 2023-10-16. Review status: criteria provided, single submitter. Criteria: Invitae Variant Classification Sherloc (09022015). Collection method: clinical testing. Allele origin: germline.

Ambry Genetics
Classification: Likely benign for Hereditary cancer-predisposing syndrome. Last evaluated: 2021-07-21. Review status: criteria provided, single submitter. Criteria: Ambry Variant Classification Scheme 2023. Collection method: clinical testing. Allele origin: germline.

Color Diagnostics, LLC DBA Color Health
Classification: Likely benign for Hereditary cancer-predisposing syndrome. Last evaluated: 2017-03-23. Review status: criteria provided, single submitter. Criteria: ACMG Guidelines, 2015. Collection method: clinical testing. Allele origin: germline.

NM_000179.3(MSH6):c.3693T>C (p.Val1231=)

Gene: MSH6 (mutS homolog 6; plus strand). Cytogenetic location: 2p16.3.
Variant type: single nucleotide variant.
Coding change: c.3693T>C on transcript NM_000179.3 (MANE Select); coding-DNA position 3693, T replaced by C.
Protein change: p.Val1231=; no amino-acid change (valine 1231 retained).
Molecular consequence: synonymous variant.
Genome position (GRCh38, 1-based): chr2:47,806,250, T>C. VCF-style: chr2-47806250-T-C. GRCh37 (hg19) VCF-style: chr2-48033389-T-C.
Other names: c.3303T>C, p.Val1101= (NM_001281492.2); c.2787T>C, p.Val929= (NM_001281493.2, NM_001281494.2).
Identifiers: ClinVar variation 491957 (VCV000491957.16), dbSNP rs1553333012, ClinGen allele CA425997843.
Genomic context (GRCh38, chr2:47,806,250, plus strand): 5'-TTTTACTTTAACAGGAAGAGGTACTGCAACATTTGATGGGACGGCAATAGCAAATGCAGT[T>C]GTTAAAGAACTTGCTGAGACTATAAAATGTCGTACATTATTTTCAACTCACTACCATTCA-3'
Protein context (NP_000170.1, residues 1221-1241): TFDGTAIANA[Val1231=]VKELAETIKC